The following is an entry in ClinVar:

ClinVar aggregate classification (germline): Uncertain significance (1 of 4 stars; one submission).

gnomAD v4.1: 3 of 1,613,850 alleles (0.00019%); highest among the groups gnomAD compares: Non-Finnish European, 0.00025%; no homozygotes.

Submission:

GeneDx
Classification: Uncertain significance. Last evaluated: 2023-06-14. Review status: criteria provided, single submitter. Criteria: GeneDx Variant Classification Process June 2021. Collection method: clinical testing. Allele origin: germline. Affected: yes.
Comment: Not observed at significant frequency in large population cohorts (gnomAD); In silico analysis supports that this missense variant has a deleterious effect on protein structure/function; Has not been previously published as pathogenic or benign to our knowledge

NM_031418.4(ANO3):c.2326C>T (p.Pro776Ser)

Gene: ANO3 (anoctamin 3; plus strand). Cytogenetic location: 11p14.2.
Variant type: single nucleotide variant.
Coding change: c.2326C>T on transcript NM_031418.4 (MANE Select); coding-DNA position 2326, C replaced by T.
Protein change: p.Pro776Ser; replaces proline 776 with serine.
Molecular consequence: missense variant.
Genome position (GRCh38, 1-based): chr11:26,643,232, C>T. VCF-style: chr11-26643232-C-T. GRCh37 (hg19) VCF-style: chr11-26664779-C-T.
Other names: c.2509C>T, p.Pro837Ser (NM_001313726.2); c.1888C>T, p.Pro630Ser (NM_001313727.2); short protein forms P630S, P776S, P837S.
Identifiers: ClinVar variation 3359954 (VCV003359954.1).
Genomic context (GRCh38, chr11:26,643,232, plus strand): 5'-TCTTTTGCAGTTTTGCAATTTGGTTTTACCACCATCTTTGTTGCGGCTTTTCCTCTAGCC[C>T]CTCTTTTGGCTTTGTTAAACAATATCATTGAAATCAGGCTGGATGCATACAAATTTGTCA-3'
Protein context (NP_113606.2, residues 766-786): TIFVAAFPLA[Pro776Ser]LLALLNNIIE